The following is an entry in ClinVar:

NM_002160.4(TNC):c.1849G>A (p.Gly617Arg)

Gene: TNC (tenascin C; minus strand). Cytogenetic location: 9q33.1.
Variant type: single nucleotide variant.
Coding change: c.1849G>A on transcript NM_002160.4 (MANE Select); coding-DNA position 1849, G replaced by A.
Protein change: p.Gly617Arg; replaces glycine 617 with arginine.
Molecular consequence: missense variant.
Genome position (GRCh38, 1-based): chr9:115,085,882, C>T on the plus strand (G>A on the coding strand, the complement: TNC is on the minus strand). VCF-style: chr9-115085882-C-T. GRCh37 (hg19) VCF-style: chr9-117848161-C-T.
Other names: c.1849G>A, p.Gly617Arg (NM_001410991.1); short protein forms G617R.
Identifiers: ClinVar variation 3352953 (VCV003352953.1).

ClinVar aggregate classification (germline): Uncertain significance (0 of 4 stars; one submission).

Conditions:
TNC-related disorder. Also called: TNC-related condition.

gnomAD v4.1: 41 of 1,610,396 alleles (0.0025%); highest among the groups gnomAD compares: Admixed American, 0.012%; no homozygotes.

Submission:

PreventionGenetics, part of Exact Sciences
Classification: Uncertain significance for TNC-related condition. Last evaluated: 2024-06-26. Review status: no assertion criteria provided. Collection method: clinical testing. Allele origin: germline.
Comment: The TNC c.1849G>A variant is predicted to result in the amino acid substitution p.Gly617Arg. This variant was reported in an individual with sensorineural hearing loss, although further evidence for pathogenicity was not presented (Table S1, Florentine et al. 2022. PubMed ID: 34515852). This variant is reported in 0.012% of alleles in individuals of Latino descent in gnomAD. At this time, the clinical significance of this variant is uncertain due to the absence of conclusive functional and genetic evidence.